The following is an entry in ClinVar:

NM_013447.4(ADGRE2):c.2384_2385dup (p.Ile796fs)

Gene: ADGRE2 (adhesion G protein-coupled receptor E2; minus strand). Cytogenetic location: 19p13.12.
Variant type: Duplication.
Coding change: c.2384_2385dup on transcript NM_013447.4 (MANE Select); coding-DNA positions 2384 to 2385, 2 bases duplicated (GG; older notation c.2384_2385dupGG).
Protein change: p.Ile796fs; shifts the reading frame from isoleucine 796.
Molecular consequence: frameshift variant.
Genome position (GRCh38, 1-based): chr19:14,743,498-14,743,499, CC duplicated on the plus strand (GG on the coding strand, the reverse complement: ADGRE2 is on the minus strand); duplicating any 2 consecutive bases within chr19:14,743,498-14,743,500 gives the same sequence; the c. name uses the placement nearest the transcript's 3' end. VCF-style (leftmost placement, unchanged base first): chr19-14743497-T-TCC. GRCh37 (hg19) VCF-style: chr19-14854309-T-TCC.
Other names: c.2210_2211dup, p.Ile738fs (NM_001271052.1); short protein forms I796fs, I738fs.
Identifiers: ClinVar variation 2715039 (VCV002715039.3), dbSNP rs1568580947, ClinGen allele CA632126901.
Genomic context (GRCh38, chr19:14,743,497, plus strand): 5'-TGTCAGCCTTAGCACTGCTGGAGAGTGTGTGCATCTCAGACTCAGTTTTCAATTTCCTGA[T>TCC]CCCTTTGGACCATTTCCCATATTGCTCCCGGACCTGCAGAGGCAAAGTGTGTACTGGGTC-3'

ClinVar aggregate classification (germline): Uncertain significance (1 of 4 stars; one submission).

Submission:

Labcorp Genetics (formerly Invitae), Labcorp
Classification: Uncertain significance. Last evaluated: 2024-10-29. Review status: criteria provided, single submitter. Criteria: Invitae Variant Classification Sherloc (09022015). Collection method: clinical testing. Allele origin: germline.
Comment: This sequence change creates a premature translational stop signal (p.Ile796Glyfs*5) in the ADGRE2 gene. It is expected to result in an absent or disrupted protein product. However, the current clinical and genetic evidence is not sufficient to establish whether loss-of-function variants in ADGRE2 cause disease. This variant is present in population databases (no rsID available, gnomAD 0.003%). This variant has not been reported in the literature in individuals affected with ADGRE2-related conditions. ClinVar contains an entry for this variant (Variation ID: 2715039). In summary, the available evidence is currently insufficient to determine the role of this variant in disease. Therefore, it has been classified as a Variant of Uncertain Significance.